The following is an entry in ClinVar:

ClinVar aggregate classification (germline): Likely pathogenic (1 of 4 stars; one submission).

Conditions:
TTN-related disorder. Also called: TTN-related condition; TTN-related disease; TTN-related disorders.

Submission:

PreventionGenetics, part of Exact Sciences
Classification: Likely pathogenic for TTN-related condition. Last evaluated: 2022-11-30. Review status: criteria provided, single submitter. Criteria: ACMG Guidelines, 2015. Collection method: clinical testing. Allele origin: germline.
Comment: The TTN c.30754+1G>A variant is predicted to disrupt the GT donor site and interfere with normal splicing. To our knowledge, this variant has not been reported in the literature or in a large population database, indicating this variant is rare. This variant is located in the TTN protein I-band region. RNAseq studies from heart tissue indicate this exon is not commonly included in TTN mRNA transcripts (PSI of 80-91%); however, this analysis in muscle tissue was not performed (Roberts et al. 2015. PMID: 25589632). TTN truncating variants in the heterozygous state are reported in 1-2% of presumably healthy individuals and occur more frequently in exons with low PSI values, indicating this variant is more likely to be a risk variant for TTN-related cardiac disorders (Roberts et al. 2015. PMID: 25589632; Herman et al. 2012. PMID: 22335739). However, many cases of recessive congenital titinopathies in which the individual is compound heterozygous for two loss of function variants in TTN have also been reported (Ceyhan-Birsoy et al. 2013. PMID: 23975875; Chauveau et al. 2014. PMID: 24105469; Evilä et al. 2016. PMID: 27796757; Ge et al. 2019. PubMed ID: 31053406; Bryen et al. 2020. PubMed ID: 31660661). Variants that disrupt the consensus splice donor site in TTN are expected to be pathogenic for TTN-related disorders. Of note, other splicing variants in nearby exons have been reported in individuals with dilated cardiomyopathy (Roberts et al. 2015. PubMed ID: 25589632). Taken together, this variant is interpreted as likely pathogenic for TTN-related disorders.

NM_001267550.2(TTN):c.30754+1G>A

Gene: TTN (titin; minus strand). Cytogenetic location: 2q31.2.
Variant type: single nucleotide variant.
Coding change: c.30754+1G>A on transcript NM_001267550.2 (MANE Select); the canonical splice donor site of the intron after coding-DNA position 30754, G replaced by A.
Molecular consequence: splice donor variant. On other transcripts: intron variant (3).
Genome position (GRCh38, 1-based): chr2:178,698,842, C>T on the plus strand (G>A on the coding strand, the complement: TTN is on the minus strand). VCF-style: chr2-178698842-C-T. GRCh37 (hg19) VCF-style: chr2-179563569-C-T.
Other names: c.13282+39240G>A (NM_003319.4); c.13858+39240G>A (NM_133437.4); c.13657+39240G>A (NM_133432.3); c.27022+1G>A (NM_133378.4); c.29803+1G>A (NM_001256850.1).
Identifiers: ClinVar variation 2635531 (VCV002635531.1), dbSNP rs914288774, ClinGen allele CA349566623.
Genomic context (GRCh38, chr2:178,698,842, plus strand): 5'-GAATTTAAAAGTTTTGGCCAAGAAAAAAGTGTTAAGACTGCTTTTTGATTAATTATAATA[C>T]CTTCACGTGGTGTCATCTCTTTGGGCTTTGCAACAACTTTTTTGGCATCTTTCTTCACAG-3'